The following is an entry in ClinVar:

ClinVar aggregate classification (germline): Uncertain significance (1 of 4 stars; one submission).

Submission:

GeneDx
Classification: Uncertain significance. Last evaluated: 2023-02-11. Review status: criteria provided, single submitter. Criteria: GeneDx Variant Classification Process June 2021. Collection method: clinical testing. Allele origin: germline. Affected: yes.
Comment: Not observed at significant frequency in large population cohorts (gnomAD); In silico analysis supports that this missense variant has a deleterious effect on protein structure/function; Has not been previously published as pathogenic or benign to our knowledge

NM_004699.4(FAM50A):c.799T>G (p.Phe267Val)

Gene: FAM50A (family with sequence similarity 50 member A; plus strand). Cytogenetic location: Xq28.
Variant type: single nucleotide variant.
Coding change: c.799T>G on transcript NM_004699.4 (MANE Select); coding-DNA position 799, T replaced by G.
Protein change: p.Phe267Val; replaces phenylalanine 267 with valine.
Molecular consequence: missense variant.
Genome position (GRCh38, 1-based): chrX:154,449,901, T>G. VCF-style: chrX-154449901-T-G. GRCh37 (hg19) VCF-style: chrX-153678249-T-G.
Other names: short protein forms F267V.
Identifiers: ClinVar variation 2575635 (VCV002575635.1), dbSNP rs2523044222, ClinGen allele CA415220055.
Genomic context (GRCh38, chrX:154,449,901, plus strand): 5'-GATGGACCATCAAGACGCCGCTTTCCTGCCCTTGGCTCCCAGCATCACAGCTTCTACGAC[T>G]TCATCGTCACCAAGGCACGGGGGAAGAGTGGTGAGTGCCGCCGACCCAGCCGCCCCCATA-3'
Protein context (NP_004690.1, residues 257-277): IIPHHHSFYD[Phe267Val]IVTKARGKSG